The following is an entry in ClinVar:

Conditions:
Breast-ovarian cancer, familial, susceptibility to, 1 (BROVCA1). Also called: BRCA1 Hereditary Breast and Ovarian Cancer; OVARIAN CANCER, SUSCEPTIBILITY TO. Identifiers: Orphanet 145, MedGen C2676676, MONDO:0011450, OMIM 604370. Disease mechanism: loss of function.

Submission:

Brotman Baty Institute, University of Washington
No classification provided (evidence only). Condition: Breast-ovarian cancer, familial 1. Review status: no classification provided. Collection method: in vitro. Allele origin: not applicable. Functional consequence: functionally_normal.
ClinVar note: "not provided" was previously submitted as the classification for the variant. However, the classification appeared to be based only on an observation of functional data so it was converted to no classification on 2025-07-30.

NM_007294.4(BRCA1):c.5166T>C (p.Ser1722=)

Gene: BRCA1 (BRCA1 DNA repair associated; minus strand). Cytogenetic location: 17q21.31.
Variant type: single nucleotide variant.
Coding change: c.5166T>C on transcript NM_007294.4 (MANE Select); coding-DNA position 5166, T replaced by C.
Protein change: p.Ser1722=; no amino-acid change (serine 1722 retained).
Molecular consequence: synonymous variant.
Genome position (GRCh38, 1-based): chr17:43,063,360, A>G on the plus strand (T>C on the coding strand, the complement: BRCA1 is on the minus strand). VCF-style: chr17-43063360-A-G. GRCh37 (hg19) VCF-style: chr17-41215377-A-G.
Other names: c.4953T>C, p.Ser1651= (NM_001407571.1, NM_001407894.1, NM_001407895.1 and 12 more transcripts); c.5232T>C, p.Ser1744= (NM_001407581.1, NM_001407582.1); c.5229T>C, p.Ser1743= (NM_001407583.1, NM_001407585.1, NM_001407587.1 and 1 more transcripts); c.5226T>C, p.Ser1742= (NM_001407590.1, NM_001407591.1); c.5166T>C, p.Ser1722= (NM_001407593.1, NM_001407594.1, NM_001407596.1 and 7 more transcripts); c.5163T>C, p.Ser1721= (NM_001407610.1, NM_001407611.1, NM_001407612.1 and 17 more transcripts); c.5160T>C, p.Ser1720= (NM_001407627.1, NM_001407628.1, NM_001407629.1 and 14 more transcripts); c.5157T>C, p.Ser1719= (NM_001407644.1, NM_001407645.1); and 72 more.
Identifiers: ClinVar variation 865076 (VCV000865076.3), dbSNP rs2051865502, ClinGen allele CA500146053.